The following is an entry in ClinVar:

ClinVar aggregate classification (germline): Uncertain significance (1 of 4 stars; one submission).

Allele frequency attached by ClinVar (database versions not stated): gnomAD exomes below 0.00001 and 0.00001; TOPMed 0.00001.
gnomAD v4.1: 5 of 1,606,190 alleles (0.00031%); highest among the groups gnomAD compares: Non-Finnish European, 0.00043%; no homozygotes.

Submission:

Labcorp Genetics (formerly Invitae), Labcorp
Classification: Uncertain significance. Last evaluated: 2021-09-01. Review status: criteria provided, single submitter. Criteria: Invitae Variant Classification Sherloc (09022015). Collection method: clinical testing. Allele origin: germline.
Comment: This sequence change replaces proline with threonine at codon 74 of the C8orf37 protein (p.Pro74Thr). The proline residue is highly conserved and there is a small physicochemical difference between proline and threonine. This variant is not present in population databases (ExAC no frequency). This variant has not been reported in the literature in individuals affected with C8orf37-related conditions. Algorithms developed to predict the effect of missense changes on protein structure and function are either unavailable or do not agree on the potential impact of this missense change (SIFT: "Deleterious"; PolyPhen-2: "Possibly Damaging"; Align-GVGD: "Class C0"). In summary, the available evidence is currently insufficient to determine the role of this variant in disease. Therefore, it has been classified as a Variant of Uncertain Significance.

NM_177965.4(CFAP418):c.220C>A (p.Pro74Thr)

Gene: CFAP418 (cilia and flagella associated protein 418; minus strand). Cytogenetic location: 8q22.1.
Variant type: single nucleotide variant.
Coding change: c.220C>A on transcript NM_177965.4 (MANE Select); coding-DNA position 220, C replaced by A.
Protein change: p.Pro74Thr; replaces proline 74 with threonine.
Molecular consequence: missense variant.
Genome position (GRCh38, 1-based): chr8:95,263,710, G>T on the plus strand (C>A on the coding strand, the complement: CFAP418 is on the minus strand). VCF-style: chr8-95263710-G-T. GRCh37 (hg19) VCF-style: chr8-96275938-G-T.
Other names: c.220C>A, p.Pro74Thr (NM_001363260.1); short protein forms P74T.
Identifiers: ClinVar variation 1681138 (VCV001681138.5), dbSNP rs1160841273, ClinGen allele CA371837562.